The following is an entry in ClinVar:

NM_001374353.1(GLI2):c.2765G>T (p.Arg922Leu)

Gene: GLI2 (GLI family zinc finger 2; plus strand). Cytogenetic location: 2q14.2.
Variant type: single nucleotide variant.
Coding change: c.2765G>T on transcript NM_001374353.1 (MANE Select); coding-DNA position 2765, G replaced by T.
Protein change: p.Arg922Leu; replaces arginine 922 with leucine.
Molecular consequence: missense variant.
Genome position (GRCh38, 1-based): chr2:120,988,730, G>T. VCF-style: chr2-120988730-G-T. GRCh37 (hg19) VCF-style: chr2-121746306-G-T.
Other names: c.2816G>T, p.Arg939Leu (NM_001371271.1, NM_005270.5); c.2390G>T, p.Arg797Leu (NM_001374354.1); short protein forms R797L, R922L, R939L.
Identifiers: ClinVar variation 2662887 (VCV002662887.1), dbSNP rs745984071, ClinGen allele CA348169376.

ClinVar aggregate classification (germline): Uncertain significance (1 of 4 stars; one submission).

Allele frequency attached by ClinVar (database versions not stated): TOPMed 0.00001.
gnomAD v4.1: 1 of 1,197,348 alleles (0.000084%); highest among the groups gnomAD compares: African/African-American, 0.0016%; no homozygotes.

Submission:

GeneDx
Classification: Uncertain significance. Last evaluated: 2023-04-18. Review status: criteria provided, single submitter. Criteria: GeneDx Variant Classification Process June 2021. Collection method: clinical testing. Allele origin: germline. Affected: yes.
Comment: Not observed at significant frequency in large population cohorts (gnomAD); In silico analysis supports that this missense variant has a deleterious effect on protein structure/function; Has not been previously published as pathogenic or benign to our knowledge